The following is an entry in ClinVar:

NM_017613.4(DONSON):c.332C>A (p.Ser111Tyr)

Gene: DONSON (DNA replication fork stabilization factor DONSON; minus strand). Cytogenetic location: 21q22.11.
Variant type: single nucleotide variant.
Coding change: c.332C>A on transcript NM_017613.4 (MANE Select); coding-DNA position 332, C replaced by A.
Protein change: p.Ser111Tyr; replaces serine 111 with tyrosine.
Molecular consequence: missense variant.
Genome position (GRCh38, 1-based): chr21:33,587,592, G>T on the plus strand (C>A on the coding strand, the complement: DONSON is on the minus strand). VCF-style: chr21-33587592-G-T. GRCh37 (hg19) VCF-style: chr21-34959898-G-T.
Other names: short protein forms S111Y.
Identifiers: ClinVar variation 2005277 (VCV002005277.4), dbSNP rs576191032, ClinGen allele CA410143452.

ClinVar aggregate classification (germline): Uncertain significance (1 of 4 stars; one submission).

Submission:

Labcorp Genetics (formerly Invitae), Labcorp
Classification: Uncertain significance. Last evaluated: 2024-10-07. Review status: criteria provided, single submitter. Criteria: Invitae Variant Classification Sherloc (09022015). Collection method: clinical testing. Allele origin: germline.
Comment: This sequence change replaces serine, which is neutral and polar, with tyrosine, which is neutral and polar, at codon 111 of the DONSON protein (p.Ser111Tyr). This variant is not present in population databases (gnomAD no frequency). This variant has not been reported in the literature in individuals affected with DONSON-related conditions. ClinVar contains an entry for this variant (Variation ID: 2005277). Invitae Evidence Modeling of protein sequence and biophysical properties (such as structural, functional, and spatial information, amino acid conservation, physicochemical variation, residue mobility, and thermodynamic stability) indicates that this missense variant is not expected to disrupt DONSON protein function with a negative predictive value of 80%. In summary, the available evidence is currently insufficient to determine the role of this variant in disease. Therefore, it has been classified as a Variant of Uncertain Significance.